The following is an entry in ClinVar:

NM_006440.5(TXNRD2):c.52C>G (p.Arg18Gly)

Genes: TXNRD2 (thioredoxin reductase 2; minus strand), LOC130066960 (ATAC-STARR-seq lymphoblastoid silent region 13467; plus strand). Cytogenetic location: 22q11.21.
Variant type: single nucleotide variant.
Coding change: c.52C>G on transcript NM_006440.5 (MANE Select); coding-DNA position 52, C replaced by G.
Protein change: p.Arg18Gly; replaces arginine 18 with glycine.
Molecular consequence: missense variant. On other transcripts: non-coding transcript variant (1).
Genome position (GRCh38, 1-based): chr22:19,941,752, G>C on the plus strand (C>G on the coding strand, the complement: TXNRD2 is on the minus strand). VCF-style: chr22-19941752-G-C. GRCh37 (hg19) VCF-style: chr22-19929275-G-C.
Other names: c.52C>G, p.Arg18Gly (NM_001282512.3, NM_001352300.2); c.-237G>C (NM_000754.3); short protein forms R18G.
Identifiers: ClinVar variation 4866279 (VCV004866279.1).
Genomic context (GRCh38, chr22:19,941,752, plus strand): 5'-CCATCCTACCTGCTGCGCCCCGCGCCGCGCCCCGCACCCCGCCCGCCACGGCCTGCGTCC[G>C]CCACCGGAAGCGCCCTCCTAATCCCCGCAGCGCCACCGCCATTGCCGCCATCGTCGTGGG-3'
Protein context (NP_006431.2, residues 8-28): LRGLGGRFRW[Arg18Gly]TQAVAGGVRG

ClinVar aggregate classification (germline): Uncertain significance (1 of 4 stars; one submission).

Conditions:
Cardiovascular phenotype. Identifiers: MedGen CN230736.

Submission:

Ambry Genetics
Classification: Uncertain significance for Cardiovascular phenotype. Last evaluated: 2026-05-28. Review status: criteria provided, single submitter. Criteria: Ambry Variant Classification Scheme 2023. Collection method: clinical testing. Allele origin: germline.
Comment: The p.R18G variant (also known as c.52C>G), located in coding exon 1 of the TXNRD2 gene, results from a C to G substitution at nucleotide position 52. The arginine at codon 18 is replaced by glycine, an amino acid with dissimilar properties. This amino acid position is conserved. In addition, this alteration is predicted to be tolerated by in silico analysis. Based on the available evidence, the clinical significance of this variant remains unclear.